The following is an entry in ClinVar:

ClinVar aggregate classification (germline): Pathogenic (1 of 4 stars; one submission).

Submission:

Labcorp Genetics (formerly Invitae), Labcorp
Classification: Pathogenic. Last evaluated: 2021-07-25. Review status: criteria provided, single submitter. Criteria: Invitae Variant Classification Sherloc (09022015). Collection method: clinical testing. Allele origin: germline.
Comment: This sequence change creates a premature translational stop signal (p.Glu233*) in the EYS gene. It is expected to result in an absent or disrupted protein product. Loss-of-function variants in EYS are known to be pathogenic (PMID: 18836446, 20333770). For these reasons, this variant has been classified as Pathogenic. This variant has not been reported in the literature in individuals affected with EYS-related conditions. This variant is not present in population databases (ExAC no frequency).

Literature cited by the submitters: PubMed 18836446; PubMed 20333770.

NM_001142800.2(EYS):c.697G>T (p.Glu233Ter)

Gene: EYS (EGF-like photoreceptor maintenance factor; minus strand). Cytogenetic location: 6q12.
Variant type: single nucleotide variant.
Coding change: c.697G>T on transcript NM_001142800.2 (MANE Select); coding-DNA position 697, G replaced by T.
Protein change: p.Glu233Ter; replaces glutamic acid 233 with a stop codon.
Molecular consequence: nonsense.
Genome position (GRCh38, 1-based): chr6:65,494,714, C>A on the plus strand (G>T on the coding strand, the complement: EYS is on the minus strand). VCF-style: chr6-65494714-C-A. GRCh37 (hg19) VCF-style: chr6-66204607-C-A.
Other names: c.697G>T, p.Glu233Ter (NM_001142801.2, NM_001292009.2, NM_198283.2); short protein forms E233*.
Identifiers: ClinVar variation 1434057 (VCV001434057.6), dbSNP rs866997713, ClinGen allele CA364789340.